The following is an entry in ClinVar:

ClinVar aggregate classification (germline): Uncertain significance (1 of 4 stars; one submission).

Conditions:
Familial melanoma. Also called: Hereditary melanoma; Hereditary cutaneous melanoma. Identifiers: Orphanet 618, MedGen C1512419, MONDO:0018961.

Submission:

Labcorp Genetics (formerly Invitae), Labcorp
Classification: Uncertain significance for Familial melanoma. Last evaluated: 2025-01-07. Review status: criteria provided, single submitter. Criteria: Invitae Variant Classification Sherloc (09022015). Collection method: clinical testing. Allele origin: germline.
Comment: This sequence change replaces proline, which is neutral and non-polar, with alanine, which is neutral and non-polar, at codon 50 of the CDK4 protein (p.Pro50Ala). This variant is not present in population databases (gnomAD no frequency). This variant has not been reported in the literature in individuals affected with CDK4-related conditions. Invitae Evidence Modeling of protein sequence and biophysical properties (such as structural, functional, and spatial information, amino acid conservation, physicochemical variation, residue mobility, and thermodynamic stability) indicates that this missense variant is expected to disrupt CDK4 protein function with a positive predictive value of 95%. In summary, the available evidence is currently insufficient to determine the role of this variant in disease. Therefore, it has been classified as a Variant of Uncertain Significance.

NM_000075.4(CDK4):c.148C>G (p.Pro50Ala)

Genes: CDK4 (cyclin dependent kinase 4; minus strand), LOC130008148 (ATAC-STARR-seq lymphoblastoid silent region 4588; plus strand). Cytogenetic location: 12q14.1.
Variant type: single nucleotide variant.
Coding change: c.148C>G on transcript NM_000075.4 (MANE Select); coding-DNA position 148, C replaced by G.
Protein change: p.Pro50Ala; replaces proline 50 with alanine.
Molecular consequence: missense variant.
Genome position (GRCh38, 1-based): chr12:57,751,570, G>C on the plus strand (C>G on the coding strand, the complement: CDK4 is on the minus strand). VCF-style: chr12-57751570-G-C. GRCh37 (hg19) VCF-style: chr12-58145353-G-C.
Other names: short protein forms P50A.
Identifiers: ClinVar variation 3637631 (VCV003637631.2).
Genomic context (GRCh38, chr12:57,751,570, plus strand): 5'-TGGGATGCTCAAAAGCCTCCAGTCGCCTCAGTAAAGCCACCTCACGAACTGTGCTGATGG[G>C]AAGGCCTCCTCCACCTCCTCCTCCATTGGGGACTCTCACACTCTTGAGGGCCACAAAGTG-3'
Protein context (NP_000066.1, residues 40-60): PNGGGGGGGL[Pro50Ala]ISTVREVALL